The following is an entry in ClinVar:

ClinVar aggregate classification (germline): Likely benign. Review status: criteria provided, multiple submitters, no conflicts (2 of 4 stars). 2 submissions from 2 submitters: Likely benign (2). Last evaluated 2025-06-13.

Conditions:
RFX6-related disorder. Also called: RFX6-related condition.

Allele frequency attached by ClinVar (database versions not stated): ExAC 0.00001; gnomAD 0.00002; TOPMed 0.00004.
gnomAD v4.1: 24 of 1,220,704 alleles (0.002%); highest among the groups gnomAD compares: Admixed American, 0.01%; no homozygotes.

Submissions (2):

PreventionGenetics, part of Exact Sciences
Classification: Likely benign for RFX6-related condition. Last evaluated: 2025-06-13. Review status: criteria provided, single submitter. Criteria: ACMG Guidelines, 2015. Collection method: clinical testing. Allele origin: germline.
Comment: This variant is classified as likely benign based on ACMG/AMP sequence variant interpretation guidelines (Richards et al. 2015 PMID: 25741868, with internal and published modifications).

Labcorp Genetics (formerly Invitae), Labcorp
Classification: Likely benign. Last evaluated: 2023-08-27. Review status: criteria provided, single submitter. Criteria: Invitae Variant Classification Sherloc (09022015). Collection method: clinical testing. Allele origin: germline.

NM_173560.4(RFX6):c.1555+9C>T

Gene: RFX6 (regulatory factor X6; plus strand). Cytogenetic location: 6q22.1.
Variant type: single nucleotide variant.
Coding change: c.1555+9C>T on transcript NM_173560.4 (MANE Select); 9 bases into the intron after coding-DNA position 1555, C replaced by T.
Molecular consequence: intron variant.
Genome position (GRCh38, 1-based): chr6:116,923,233, C>T. VCF-style: chr6-116923233-C-T. GRCh37 (hg19) VCF-style: chr6-117244396-C-T.
Other names: c.1555+9C>T (NM_173560.3).
Identifiers: ClinVar variation 2718783 (VCV002718783.4), dbSNP rs777246291, ClinGen allele CA3973338.